The following is an entry in ClinVar:

NM_000051.4(ATM):c.107A>C (p.Asp36Ala)

Gene: ATM (ATM serine/threonine kinase; plus strand). Cytogenetic location: 11q22.3.
Variant type: single nucleotide variant.
Coding change: c.107A>C on transcript NM_000051.4 (MANE Select); coding-DNA position 107, A replaced by C.
Protein change: p.Asp36Ala; replaces aspartic acid 36 with alanine.
Molecular consequence: missense variant.
Genome position (GRCh38, 1-based): chr11:108,227,810, A>C. VCF-style: chr11-108227810-A-C. GRCh37 (hg19) VCF-style: chr11-108098537-A-C.
Other names: c.107A>C, p.Asp36Ala (NM_001351834.2, NM_001351835.2, NM_001351836.2); short protein forms D36A.
Identifiers: ClinVar variation 1053399 (VCV001053399.9), dbSNP rs1488019755, ClinGen allele CA382519747.

ClinVar aggregate classification (germline): Uncertain significance (1 of 4 stars; one submission).

Conditions:
Ataxia-telangiectasia syndrome (AT). Also called: ATAXIA-TELANGIECTASIA, FRESNO VARIANT; Ataxia-telangiectasia, complementation group E; ATAXIA-TELANGIECTASIA, COMPLEMENTATION GROUP A; LOUIS-BAR SYNDROME; Ataxia-telangiectasia, complementation group D; AT, COMPLEMENTATION GROUP C. Identifiers: Orphanet 100, MedGen C0004135, MONDO:0008840, OMIM 208900.

Submission:

Labcorp Genetics (formerly Invitae), Labcorp
Classification: Uncertain significance for Ataxia-telangiectasia syndrome. Last evaluated: 2020-02-02. Review status: criteria provided, single submitter. Criteria: Invitae Variant Classification Sherloc (09022015). Collection method: clinical testing. Allele origin: germline.
Comment: This sequence change replaces aspartic acid with alanine at codon 36 of the ATM protein (p.Asp36Ala). The aspartic acid residue is moderately conserved and there is a moderate physicochemical difference between aspartic acid and alanine. This variant is not present in population databases (ExAC no frequency). This variant has not been reported in the literature in individuals with ATM-related conditions. Algorithms developed to predict the effect of missense changes on protein structure and function are either unavailable or do not agree on the potential impact of this missense change (SIFT: "Tolerated"; PolyPhen-2: "Probably Damaging"; Align-GVGD: "Class C0"). In summary, the available evidence is currently insufficient to determine the role of this variant in disease. Therefore, it has been classified as a Variant of Uncertain Significance.